The following is an entry in ClinVar:

NM_000101.4(CYBA):c.204-2A>G

Gene: CYBA (cytochrome b-245 alpha chain; minus strand). Cytogenetic location: 16q24.2.
Variant type: single nucleotide variant.
Coding change: c.204-2A>G on transcript NM_000101.4 (MANE Select); the canonical splice acceptor site of the intron before coding-DNA position 204, A replaced by G.
Molecular consequence: splice acceptor variant.
Genome position (GRCh38, 1-based): chr16:88,646,840, T>C on the plus strand (A>G on the coding strand, the complement: CYBA is on the minus strand). VCF-style: chr16-88646840-T-C. GRCh37 (hg19) VCF-style: chr16-88713248-T-C.
Identifiers: ClinVar variation 953311 (VCV000953311.11), dbSNP rs113932941, ClinGen allele CA8228353.

ClinVar aggregate classification (germline): Pathogenic/Likely pathogenic. Review status: criteria provided, multiple submitters, no conflicts (2 of 4 stars). 3 submissions from 3 submitters: Pathogenic (2); Likely pathogenic (1). Last evaluated 2025-07-07.

Conditions:
Chronic granulomatous disease. Identifiers: Orphanet 379, MedGen C0018203, MONDO:0018305.
CYBA-related disorder. Also called: CYBA-related condition.
Granulomatous disease, chronic, autosomal recessive, cytochrome b-negative. Also called: CGD DUE TO DEFICIENCY OF THE ALPHA SUBUNIT OF CYTOCHROME b; CGD, AUTOSOMAL RECESSIVE CYTOCHROME b-NEGATIVE; CYBA DEFICIENCY; GRANULOMATOUS DISEASE, CHRONIC, AUTOSOMAL RECESSIVE, 4; Chronic granulomatous disease, autosomal, due to deficiency of CYBA. Identifiers: Orphanet 379, MedGen C1856255, MONDO:0009308, OMIM 233690.

Allele frequency attached by ClinVar (database versions not stated): ExAC 0.00001.
gnomAD v4.1: 10 of 1,611,876 alleles (0.00062%); highest among the groups gnomAD compares: Non-Finnish European, 0.00017%; no homozygotes.

Submissions (3):

Natera, Inc.
Classification: Pathogenic for Chronic granulomatous disease. Last evaluated: 2025-07-07. Review status: criteria provided, single submitter. Criteria: Natera Variant Classification Schema (03/2026). Collection method: clinical testing. Allele origin: germline.
Comment: The c.204-2A>G variant in CYBA is a canonical splice acceptor site variant predicted to affect pre-mRNA splicing, which may result in an abnormal transcript and altered protein product. This variant is expected to result in nonsense mediated decay, truncation, or a dysfunctional protein product. This variant is rare in the general population with a frequency below the threshold expected for the associated phenotype(s). This variant has been observed in one or more individuals affected with the associated recessive disease, as either homozygous or compound heterozygous with a second variant (PMID: 24607052, 20674832, 20167518, 39052144). Given the available evidence, this variant is classified as Pathogenic.

Labcorp Genetics (formerly Invitae), Labcorp
Classification: Pathogenic for Granulomatous disease, chronic, autosomal recessive, cytochrome b-negative. Last evaluated: 2023-01-09. Review status: criteria provided, single submitter. Criteria: Invitae Variant Classification Sherloc (09022015). Collection method: clinical testing. Allele origin: germline.
Comment: For these reasons, this variant has been classified as Pathogenic. Algorithms developed to predict the effect of sequence changes on RNA splicing suggest that this variant may disrupt the consensus splice site. ClinVar contains an entry for this variant (Variation ID: 953311). Disruption of this splice site has been observed in individual(s) with chronic granulomatous disease (PMID: 20167518, 20674832). In at least one individual the data is consistent with being in trans (on the opposite chromosome) from a pathogenic variant. This variant is present in population databases (rs113932941, gnomAD 0.02%). This sequence change affects an acceptor splice site in intron 3 of the CYBA gene. It is expected to disrupt RNA splicing. Variants that disrupt the donor or acceptor splice site typically lead to a loss of protein function (PMID: 16199547), and loss-of-function variants in CYBA are known to be pathogenic (PMID: 10910929, 20167518, 22876374).

Blueprint Genetics
Classification: Likely pathogenic for CYBA-related disorders. Last evaluated: 2021-02-05. Review status: criteria provided, single submitter. Criteria: ACMG Guidelines, 2015. Collection method: clinical testing. Allele origin: germline. Affected: yes. Observed: 2 variant alleles.

Literature cited by the submitters: PubMed 24607052 (cited by Natera, Inc.); PubMed 20674832 (cited by Natera, Inc. and Labcorp Genetics (formerly Invitae), Labcorp); PubMed 20167518 (cited by Natera, Inc. and Labcorp Genetics (formerly Invitae), Labcorp); PubMed 39052144 (cited by Natera, Inc.); PubMed 16199547 (cited by Labcorp Genetics (formerly Invitae), Labcorp); PubMed 10910929 (cited by Labcorp Genetics (formerly Invitae), Labcorp); PubMed 22876374 (cited by Labcorp Genetics (formerly Invitae), Labcorp).